The following is an entry in ClinVar:

ClinVar aggregate classification (germline): Likely benign (0 of 4 stars; one submission).

Conditions:
ATXN7-related disorder. Also called: ATXN7-related condition.

Allele frequency attached by ClinVar (database versions not stated): ESP Exome Variant Server 0.00008; 1000 Genomes Project 30x 0.00016; 1000 Genomes Project 0.00020; ExAC 0.00023; TOPMed 0.00032; gnomAD 0.00035.
gnomAD v4.1: 751 of 1,614,194 alleles (0.047%); highest among the groups gnomAD compares: Non-Finnish European, 0.058%; no homozygotes.

Submission:

PreventionGenetics, part of Exact Sciences
Classification: Likely benign for ATXN7-related condition. Last evaluated: 2023-03-28. Review status: no assertion criteria provided. Collection method: clinical testing. Allele origin: germline.
Comment: This variant is classified as likely benign based on ACMG/AMP sequence variant interpretation guidelines (Richards et al. 2015 PMID: 25741868, with internal and published modifications).

NM_001377405.1(ATXN7):c.695G>A (p.Arg232Lys)

Gene: ATXN7 (ataxin 7; plus strand). Cytogenetic location: 3p14.1.
Variant type: single nucleotide variant.
Coding change: c.695G>A on transcript NM_001377405.1 (MANE Select); coding-DNA position 695, G replaced by A.
Protein change: p.Arg232Lys; replaces arginine 232 with lysine.
Molecular consequence: missense variant.
Genome position (GRCh38, 1-based): chr3:63,980,110, G>A. VCF-style: chr3-63980110-G-A. GRCh37 (hg19) VCF-style: chr3-63965786-G-A.
Other names: c.695G>A, p.Arg232Lys (NM_000333.4, NM_001177387.1, NM_001377406.1); c.260G>A, p.Arg87Lys (NM_001128149.3); short protein forms R232K, R87K.
Identifiers: ClinVar variation 3045852 (VCV003045852.2), dbSNP rs199913643, ClinGen allele CA2478354.